The following is an entry in ClinVar:

ClinVar aggregate classification (germline): Uncertain significance (1 of 4 stars; one submission).

Allele frequency attached by ClinVar (database versions not stated): gnomAD exomes 0.00001; ExAC 0.00002; gnomAD 0.00002; 1000 Genomes Project 30x 0.00047; 1000 Genomes Project 0.00060.
gnomAD v4.1: 12 of 1,614,110 alleles (0.00074%); highest among the groups gnomAD compares: African/African-American, 0.016%; no homozygotes.

Submission:

Labcorp Genetics (formerly Invitae), Labcorp
Classification: Uncertain significance. Last evaluated: 2022-08-19. Review status: criteria provided, single submitter. Criteria: Invitae Variant Classification Sherloc (09022015). Collection method: clinical testing. Allele origin: germline.
Comment: In summary, the available evidence is currently insufficient to determine the role of this variant in disease. Therefore, it has been classified as a Variant of Uncertain Significance. Algorithms developed to predict the effect of missense changes on protein structure and function are either unavailable or do not agree on the potential impact of this missense change (SIFT: "Deleterious"; PolyPhen-2: "Benign"; Align-GVGD: "Class C0"). ClinVar contains an entry for this variant (Variation ID: 1486774). This variant has not been reported in the literature in individuals affected with MCM4-related conditions. This variant is present in population databases (rs138095027, gnomAD 0.02%). This sequence change replaces methionine, which is neutral and non-polar, with isoleucine, which is neutral and non-polar, at codon 288 of the MCM4 protein (p.Met288Ile).

NM_182746.3(MCM4):c.864G>A (p.Met288Ile)

Gene: MCM4 (minichromosome maintenance complex component 4; plus strand). Cytogenetic location: 8q11.21.
Variant type: single nucleotide variant.
Coding change: c.864G>A on transcript NM_182746.3 (MANE Select); coding-DNA position 864, G replaced by A.
Protein change: p.Met288Ile; replaces methionine 288 with isoleucine.
Molecular consequence: missense variant.
Genome position (GRCh38, 1-based): chr8:47,966,218, G>A. VCF-style: chr8-47966218-G-A. GRCh37 (hg19) VCF-style: chr8-48878778-G-A.
Other names: c.864G>A, p.Met288Ile (NM_005914.4); short protein forms M288I.
Identifiers: ClinVar variation 1486774 (VCV001486774.6), dbSNP rs138095027, ClinGen allele CA4742453.
Genomic context (GRCh38, chr8:47,966,218, plus strand): 5'-GTGTGCTGACCTCTCTTCTCCCCTCACAGACATTGACCAGCTCATCACCATCAGCGGCAT[G>A]GTGATCAGGACATCCCAGCTGATTCCCGAGATGCAGGAGGCCTTCTTCCAGTGCCAAGTG-3'
Protein context (NP_877423.1, residues 278-298): DIDQLITISG[Met288Ile]VIRTSQLIPE